The following is an entry in ClinVar:

NM_001195263.2(PDZD7):c.2331_2348del (p.773_774RS[3])

Gene: PDZD7 (PDZ domain containing 7; minus strand). Cytogenetic location: 10q24.31.
Variant type: Deletion.
Coding change: c.2331_2348del on transcript NM_001195263.2 (MANE Select); coding-DNA positions 2331 to 2348, 18 bases deleted (TAGCCGCAGCCGCAGCCG).
Protein change: p.773_774RS[3].
Genome position (GRCh38, 1-based): chr10:101,010,541-101,010,558, CGGCTGCGGCTGCGGCTA deleted on the plus strand (TAGCCGCAGCCGCAGCCG on the coding strand, the reverse complement: PDZD7 is on the minus strand); deleting any 18 consecutive bases within chr10:101,010,541-101,010,569 gives the same sequence; the c. name uses the placement nearest the transcript's 3' end. VCF-style (leftmost placement, unchanged base first): chr10-101010540-GCGGCTGCGGCTGCGGCTA-G. GRCh37 (hg19) VCF-style: chr10-102770297-GCGGCTGCGGCTGCGGCTA-G.
Identifiers: ClinVar variation 164938 (VCV000164938.8), dbSNP rs727503369, ClinGen allele CA177619.
Genomic context (GRCh38, chr10:101,010,540, plus strand): 5'-AGGGGTAGGCACCGGGGATGGGGAGCGTCTACCTGGAGACTTGCCTTGACCCCGGCTGCT[GCGGCTGCGGCTGCGGCTA>G]CGGCTGCGGCTACGGCTCTGAGCCCGGCCCCGGATCTGGCTCTGCGGAGGGTGCTCTCGG-3'

ClinVar aggregate classification (germline): Benign/Likely benign. Review status: criteria provided, multiple submitters, no conflicts (2 of 4 stars). 2 submissions from 2 submitters: Benign (1); Likely benign (1). Last evaluated 2019-03-15.

Submissions (2):

GeneDx
Classification: Benign. Last evaluated: 2019-03-15. Review status: criteria provided, single submitter. Criteria: GeneDx Variant Classification Process June 2021. Collection method: clinical testing. Allele origin: germline. Affected: yes.
Comment: This variant is associated with the following publications: (PMID: 27068579)

Laboratory for Molecular Medicine, Mass General Brigham Personalized Medicine
Classification: Likely benign. Last evaluated: 2013-08-28. Review status: criteria provided, single submitter. Criteria: LMM Criteria. Collection method: clinical testing. Allele origin: germline. Observed: 1 variant allele.
Comment: The Arg779_Ser784del variant in PDZD7 has not been reported in the literature. T he frequency of this variant in large European American and African American pop ulations sequenced by the NHLBI Exome Sequencing Project was not reported because coverage at this position was insufficient or unavailable. This in-frame deletion lies in a variable Arg-Ser repeat region that is not conserved in species including other primates. Furthermore, there i s inconclusive evidence as to the role of the PDZD7 gene in hearing loss with on ly one case report suggesting PDZD7 could cause nonsyndromic hearing loss based upon a patient with a homozygous translocation that disrupts the long alternate isoform of PDZD7 (Schneider 2009). In summary, this variant is likely benign bas ed on its presence in a variable repeat region and lack of conservation across s pecies.